The following is an entry in ClinVar:

NM_022489.4(INF2):c.2256C>T (p.Arg752=)

Gene: INF2 (inverted formin 2; plus strand). Cytogenetic location: 14q32.33.
Variant type: single nucleotide variant.
Coding change: c.2256C>T on transcript NM_022489.4 (MANE Select); coding-DNA position 2256, C replaced by T.
Protein change: p.Arg752=; no amino-acid change (arginine 752 retained).
Molecular consequence: synonymous variant.
Genome position (GRCh38, 1-based): chr14:104,710,953, C>T. VCF-style: chr14-104710953-C-T. GRCh37 (hg19) VCF-style: chr14-105177290-C-T.
Other names: c.2256C>T, p.Arg752= (NM_001031714.4, NM_001426862.1, NM_001426863.1 and 2 more transcripts).
Identifiers: ClinVar variation 3234124 (VCV003234124.20), dbSNP rs1427456851, ClinGen allele CA488446394.

ClinVar aggregate classification (germline): Likely benign (1 of 4 stars; one submission).

Allele frequency attached by ClinVar (database versions not stated): gnomAD exomes below 0.00001; TOPMed below 0.00001; gnomAD 0.00001.
gnomAD v4.1: 2 of 1,612,356 alleles (0.00012%); highest among the groups gnomAD compares: Non-Finnish European, 0.00017%; no homozygotes.

Submission:

CeGaT Center for Human Genetics Tuebingen
Classification: Likely benign. Last evaluated: 2024-04-01. Review status: criteria provided, single submitter. Criteria: CeGaT Center For Human Genetics Tuebingen Variant Classification Criteria Version 2. Collection method: clinical testing. Allele origin: germline. Affected: yes. Observed: 1 variant allele.
Comment: INF2: BP4, BP7